The following is an entry in ClinVar:

ClinVar aggregate classification (germline): Uncertain significance. Review status: criteria provided, multiple submitters, no conflicts (2 of 4 stars). 4 submissions from 4 submitters: Uncertain significance (4). Last evaluated 2025-12-01.

Conditions:
Cardiovascular phenotype. Identifiers: MedGen CN230736.
Long QT syndrome (LQTS). Identifiers: MedGen C0023976, MeSH D008133, MONDO:0002442. Disease mechanism: loss of function. Inheritance: Various modes of inheritance.

Allele frequency attached by ClinVar (database versions not stated): TOPMed below 0.00001; gnomAD exomes 0.00001; ExAC 0.00002.
gnomAD v4.1: 8 of 1,613,970 alleles (0.0005%); highest among the groups gnomAD compares: South Asian, 0.0022%; no homozygotes.

Submissions (4):

Labcorp Genetics (formerly Invitae), Labcorp
Classification: Uncertain significance for Long QT syndrome. Last evaluated: 2025-12-01. Review status: criteria provided, single submitter. Criteria: Invitae Variant Classification Sherloc (09022015). Collection method: clinical testing. Allele origin: germline.
Comment: This sequence change replaces glycine, which is neutral and non-polar, with arginine, which is basic and polar, at codon 1079 of the CACNA1C protein (p.Gly1079Arg). This variant is present in population databases (rs781440831, gnomAD 0.003%). This variant has not been reported in the literature in individuals affected with CACNA1C-related conditions. ClinVar contains an entry for this variant (Variation ID: 456960). Invitae Evidence Modeling of protein sequence and biophysical properties (such as structural, functional, and spatial information, amino acid conservation, physicochemical variation, residue mobility, and thermodynamic stability) has been performed for this missense variant. However, the output from this modeling did not meet the statistical confidence thresholds required to predict the impact of this variant on CACNA1C protein function. In summary, the available evidence is currently insufficient to determine the role of this variant in disease. Therefore, it has been classified as a Variant of Uncertain Significance.

GeneDx
Classification: Uncertain significance. Last evaluated: 2025-04-03. Review status: criteria provided, single submitter. Criteria: GeneDx Variant Classification Process June 2021. Collection method: clinical testing. Allele origin: germline. Affected: yes.
Comment: Not observed at significant frequency in large population cohorts (gnomAD); In silico analysis supports that this missense variant has a deleterious effect on protein structure/function; Has not been previously published as pathogenic or benign to our knowledge

Ambry Genetics
Classification: Uncertain significance for Cardiovascular phenotype. Last evaluated: 2023-11-29. Review status: criteria provided, single submitter. Criteria: Ambry Variant Classification Scheme 2023. Collection method: clinical testing. Allele origin: germline.
Comment: The p.G1079R variant (also known as c.3235G>A), located in coding exon 26 of the CACNA1C gene, results from a G to A substitution at nucleotide position 3235. The glycine at codon 1079 is replaced by arginine, an amino acid with dissimilar properties. This amino acid position is highly conserved in available vertebrate species. In addition, this alteration is predicted to be deleterious by in silico analysis. Since supporting evidence is limited at this time, the clinical significance of this alteration remains unclear.

AiLife Diagnostics
Classification: Uncertain significance. Last evaluated: 2021-12-03. Review status: criteria provided, single submitter. Criteria: ACMG Guidelines, 2015. Collection method: clinical testing. Allele origin: germline. Affected: yes. Observed: 4 variant alleles.

NM_000719.7(CACNA1C):c.3235G>A (p.Gly1079Arg)

Gene: CACNA1C (calcium voltage-gated channel subunit alpha1 C; plus strand). Cytogenetic location: 12p13.33.
Variant type: single nucleotide variant.
Coding change: c.3235G>A on transcript NM_000719.7 (MANE Select); coding-DNA position 3235, G replaced by A.
Protein change: p.Gly1079Arg; replaces glycine 1079 with arginine.
Molecular consequence: missense variant.
Genome position (GRCh38, 1-based): chr12:2,607,009, G>A. VCF-style: chr12-2607009-G-A. GRCh37 (hg19) VCF-style: chr12-2716175-G-A.
Other names: c.3295G>A, p.Gly1099Arg (NM_001129827.2, NM_001129832.2, NM_199460.4); c.3235G>A, p.Gly1079Arg (NM_001129829.2, NM_001129830.3, NM_001129831.2 and 15 more transcripts); c.3226G>A, p.Gly1076Arg (NM_001129844.2); short protein forms G1079R, G1099R, G1076R.
Identifiers: ClinVar variation 456960 (VCV000456960.14), dbSNP rs781440831, ClinGen allele CA6389203.